The following is an entry in ClinVar:

NM_001371623.1(TCOF1):c.1791C>T (p.Val597=)

Gene: TCOF1 (treacle ribosome biogenesis factor 1; plus strand). Cytogenetic location: 5q32.
Variant type: single nucleotide variant.
Coding change: c.1791C>T on transcript NM_001371623.1 (MANE Select); coding-DNA position 1791, C replaced by T.
Protein change: p.Val597=; no amino-acid change (valine 597 retained).
Molecular consequence: synonymous variant.
Genome position (GRCh38, 1-based): chr5:150,375,807, C>T. VCF-style: chr5-150375807-C-T. GRCh37 (hg19) VCF-style: chr5-149755370-C-T.
Other names: c.1560C>T, p.Val520= (NM_000356.4, NM_001135245.2); c.1791C>T, p.Val597= (NM_001008657.3, NM_001135243.2, NM_001135244.2 and 1 more transcripts).
Identifiers: ClinVar variation 3053796 (VCV003053796.4), dbSNP rs139505033, ClinGen allele CA3511005.
Genomic context (GRCh38, chr5:150,375,807, plus strand): 5'-GGCCAAACCCACCTCCAGTCCTGCCAAGGGGCCCCCTCAGAAGGCAGGGCCTGTAGCCGT[C>T]CAGGTCAAGGCTGAAAAGCCCATGGACAACTCGGAGAGCAGCGAGGAGTCATCGGACAGT-3'
Protein context (NP_001358552.1, residues 587-607): GPPQKAGPVA[Val597=]QVKAEKPMDN

ClinVar aggregate classification (germline): Likely benign. Review status: criteria provided, single submitter (1 of 4 stars). 2 submissions from 2 submitters: Likely benign (1). 1 of the submissions does not count toward it. Last evaluated 2025-10-01.

Conditions:
TCOF1-related disorder. Also called: TCOF1-related condition.
Treacher Collins syndrome 1 (TCS1). Also called: TCOF1-Related Treacher Collins Syndrome. Identifiers: Orphanet 861, MedGen CN315775, MONDO:0007944, OMIM 154500.

Allele frequency attached by ClinVar (database versions not stated): gnomAD 0.00001; TOPMed 0.00001; ESP Exome Variant Server 0.00008.
gnomAD v4.1: 2 of 1,614,090 alleles (0.00012%); highest among the groups gnomAD compares: African/African-American, 0.0027%; no homozygotes.

Submissions (2):

Labcorp Genetics (formerly Invitae), Labcorp
Classification: Likely benign for Treacher Collins syndrome 1. Last evaluated: 2025-10-01. Review status: criteria provided, single submitter. Criteria: Invitae Variant Classification Sherloc (09022015). Collection method: clinical testing. Allele origin: germline.

PreventionGenetics, part of Exact Sciences
Classification: Likely benign for TCOF1-related condition. Last evaluated: 2023-05-31. Review status: no assertion criteria provided. Collection method: clinical testing. Allele origin: germline. Not counted in ClinVar's aggregate classification.
Comment: This variant is classified as likely benign based on ACMG/AMP sequence variant interpretation guidelines (Richards et al. 2015 PMID: 25741868, with internal and published modifications).